The following is an entry in ClinVar:

NM_005591.4(MRE11):c.2003G>A (p.Ser668Asn)

Gene: MRE11 (MRE11 double strand break repair nuclease; minus strand). Cytogenetic location: 11q21.
Variant type: single nucleotide variant.
Coding change: c.2003G>A on transcript NM_005591.4 (MANE Select); coding-DNA position 2003, G replaced by A.
Protein change: p.Ser668Asn; replaces serine 668 with asparagine.
Molecular consequence: missense variant.
Genome position (GRCh38, 1-based): chr11:94,429,978, C>T on the plus strand (G>A on the coding strand, the complement: MRE11 is on the minus strand). VCF-style: chr11-94429978-C-T. GRCh37 (hg19) VCF-style: chr11-94163144-C-T.
Other names: c.1919G>A, p.Ser640Asn (NM_005590.4); c.2000G>A, p.Ser667Asn (NM_001330347.2); short protein forms S640N, S667N, S668N.
Identifiers: ClinVar variation 3874304 (VCV003874304.1).
Genomic context (GRCh38, chr11:94,429,978, plus strand): 5'-GATTCAAAATCAACCCCTTTCGATACTTGACTCTGGGACATGATTTTGCTGGATGATGTG[C>T]TGGACCACCTGAGGCAAAACAAAAACAAAAACAAACACAATGAACTACATAATTCATCAA-3'
Protein context (NP_005582.1, residues 658-678): TTSKTDQRWS[Ser668Asn]TSSSKIMSQS

ClinVar aggregate classification (germline): Uncertain significance (1 of 4 stars; one submission).

Conditions:
Hereditary cancer-predisposing syndrome. Also called: Tumor predisposition; Neoplastic Syndromes, Hereditary; Hereditary Cancer Syndrome; Hereditary neoplastic syndrome. Identifiers: Orphanet 140162, MedGen C0027672, MeSH D009386, MONDO:0015356.

gnomAD v4.1: 2 of 1,614,052 alleles (0.00012%); highest among the groups gnomAD compares: Non-Finnish European, 0.00017%; no homozygotes.

Submission:

Ambry Genetics
Classification: Uncertain significance for Hereditary cancer-predisposing syndrome. Last evaluated: 2024-12-26. Review status: criteria provided, single submitter. Criteria: Ambry Variant Classification Scheme 2023. Collection method: clinical testing. Allele origin: germline.
Comment: The p.S668N variant (also known as c.2003G>A), located in coding exon 18 of the MRE11A gene, results from a G to A substitution at nucleotide position 2003. The serine at codon 668 is replaced by asparagine, an amino acid with highly similar properties. This amino acid position is conserved. In addition, this alteration is predicted to be tolerated by in silico analysis. Based on the available evidence, the clinical significance of this variant remains unclear.